The following is an entry in ClinVar:

NM_000784.4(CYP27A1):c.698T>C (p.Ile233Thr)

Gene: CYP27A1 (cytochrome P450 family 27 subfamily A member 1; plus strand). Cytogenetic location: 2q35.
Variant type: single nucleotide variant.
Coding change: c.698T>C on transcript NM_000784.4 (MANE Select); coding-DNA position 698, T replaced by C.
Protein change: p.Ile233Thr; replaces isoleucine 233 with threonine.
Molecular consequence: missense variant.
Genome position (GRCh38, 1-based): chr2:218,812,603, T>C. VCF-style: chr2-218812603-T-C. GRCh37 (hg19) VCF-style: chr2-219677326-T-C.
Other names: short protein forms I233T.
Identifiers: ClinVar variation 3270529 (VCV003270529.1).

ClinVar aggregate classification (germline): Uncertain significance (1 of 4 stars; one submission).

Conditions:
Cardiovascular phenotype. Identifiers: MedGen CN230736.

gnomAD v4.1: 2 of 1,614,186 alleles (0.00012%); highest among the groups gnomAD compares: Non-Finnish European, 0.00017%; no homozygotes.

Submission:

Ambry Genetics
Classification: Uncertain significance for Cardiovascular phenotype. Last evaluated: 2024-05-30. Review status: criteria provided, single submitter. Criteria: Ambry Variant Classification Scheme 2023. Collection method: clinical testing. Allele origin: germline.
Comment: The p.I233T variant (also known as c.698T>C), located in coding exon 4 of the CYP27A1 gene, results from a T to C substitution at nucleotide position 698. The isoleucine at codon 233 is replaced by threonine, an amino acid with similar properties. This amino acid position is conserved. In addition, this alteration is predicted to be tolerated by in silico analysis. Based on the available evidence, the clinical significance of this variant remains unclear.